The following is an entry in ClinVar:

ClinVar aggregate classification (germline): Likely benign. Review status: criteria provided, multiple submitters, no conflicts (2 of 4 stars). 3 submissions from 3 submitters: Likely benign (3). Last evaluated 2026-07-01.

Conditions:
Inborn genetic diseases. Identifiers: MedGen C0950123, MeSH D030342.
Tatton-Brown-Rahman overgrowth syndrome. Also called: Tatton-Brown-Rahman syndrome; Tall stature-intellectual disability-facial dysmorphism syndrome. Identifiers: Orphanet 404443, MedGen C4014545, MONDO:0014382, OMIM 615879.

Allele frequency attached by ClinVar (database versions not stated): gnomAD 0.00005.
gnomAD v4.1: 17 of 1,613,984 alleles (0.0011%); highest among the groups gnomAD compares: African/African-American, 0.016%; no homozygotes.

Submissions (3):

CeGaT Center for Human Genetics Tuebingen
Classification: Likely benign. Last evaluated: 2026-07-01. Review status: criteria provided, single submitter. Criteria: CeGaT Center For Human Genetics Tuebingen Variant Classification Criteria Version 2. Collection method: clinical testing. Allele origin: germline. Affected: yes. Observed: 1 variant allele.
Comment: DNMT3A: BP4, BP7

Labcorp Genetics (formerly Invitae), Labcorp
Classification: Likely benign for Tatton-Brown-Rahman overgrowth syndrome. Last evaluated: 2025-07-30. Review status: criteria provided, single submitter. Criteria: Invitae Variant Classification Sherloc (09022015). Collection method: clinical testing. Allele origin: germline.

Ambry Genetics
Classification: Likely benign for Inborn genetic diseases. Last evaluated: 2025-01-10. Review status: criteria provided, single submitter. Criteria: Ambry Variant Classification Scheme 2023. Collection method: clinical testing. Allele origin: germline.

NM_022552.5(DNMT3A):c.1521C>T (p.Pro507=)

Gene: DNMT3A (DNA methyltransferase 3 alpha; minus strand). Cytogenetic location: 2p23.3.
Variant type: single nucleotide variant.
Coding change: c.1521C>T on transcript NM_022552.5 (MANE Select); coding-DNA position 1521, C replaced by T.
Protein change: p.Pro507=; no amino-acid change (proline 507 retained).
Molecular consequence: synonymous variant. On other transcripts: non-coding transcript variant (1).
Genome position (GRCh38, 1-based): chr2:25,245,286, G>A on the plus strand (C>T on the coding strand, the complement: DNMT3A is on the minus strand). VCF-style: chr2-25245286-G-A. GRCh37 (hg19) VCF-style: chr2-25468155-G-A.
Other names: c.1521C>T (NM_022552.3); c.954C>T, p.Pro318= (NM_153759.3); c.1521C>T, p.Pro507= (NM_175629.2); c.1065C>T, p.Pro355= (NM_001320893.1); c.852C>T, p.Pro284= (NM_001375819.1).
Identifiers: ClinVar variation 2742564 (VCV002742564.5), dbSNP rs549167321, ClinGen allele CA43704275.